The following is an entry in ClinVar:

ClinVar aggregate classification (germline): Uncertain significance. Review status: criteria provided, multiple submitters, no conflicts (2 of 4 stars). 3 submissions from 3 submitters: Uncertain significance (3). Last evaluated 2024-11-11.

Conditions:
Hyperphosphatasia with impaired intellectual development syndrome 2. Also called: Hyperphosphatasia with intellectual disability syndrome 2; GLYCOSYLPHOSPHATIDYLINOSITOL BIOSYNTHESIS DEFECT 6. Identifiers: Orphanet 247262, MedGen C3553637, MONDO:0013882, OMIM 614749.

Allele frequency attached by ClinVar (database versions not stated): gnomAD 0.00002; TOPMed 0.00002; ExAC 0.00003; gnomAD exomes 0.00002 and 0.00003.
gnomAD v4.1: 41 of 1,614,082 alleles (0.0025%); highest among the groups gnomAD compares: Admixed American, 0.0083%; no homozygotes.

Submissions (3):

Labcorp Genetics (formerly Invitae), Labcorp
Classification: Uncertain significance for Hyperphosphatasia with impaired intellectual development syndrome 2. Last evaluated: 2024-11-11. Review status: criteria provided, single submitter. Criteria: Invitae Variant Classification Sherloc (09022015). Collection method: clinical testing. Allele origin: germline.
Comment: This sequence change replaces tyrosine, which is neutral and polar, with histidine, which is basic and polar, at codon 795 of the PIGO protein (p.Tyr795His). This variant is present in population databases (rs760038249, gnomAD 0.01%). This variant has not been reported in the literature in individuals affected with PIGO-related conditions. ClinVar contains an entry for this variant (Variation ID: 971955). Invitae Evidence Modeling of protein sequence and biophysical properties (such as structural, functional, and spatial information, amino acid conservation, physicochemical variation, residue mobility, and thermodynamic stability) indicates that this missense variant is not expected to disrupt PIGO protein function with a negative predictive value of 95%. In summary, the available evidence is currently insufficient to determine the role of this variant in disease. Therefore, it has been classified as a Variant of Uncertain Significance.

Mayo Clinic Laboratories, Mayo Clinic
Classification: Uncertain significance. Last evaluated: 2021-06-09. Review status: criteria provided, single submitter. Criteria: ACMG Guidelines, 2015. Collection method: clinical testing. Allele origin: germline.

GeneDx
Classification: Uncertain significance. Last evaluated: 2020-01-29. Review status: criteria provided, single submitter. Criteria: GeneDx Variant Classification Process June 2021. Collection method: clinical testing. Allele origin: germline. Affected: yes.
Comment: Not observed at a significant frequency in large population cohorts (Lek et al., 2016); In silico analysis, which includes protein predictors and evolutionary conservation, supports that this variant does not alter protein structure/function; Has not been previously published as pathogenic or benign in association with a neurodevelopmental disorder to our knowledge

NM_032634.4(PIGO):c.2383T>C (p.Tyr795His)

Gene: PIGO (phosphatidylinositol glycan anchor biosynthesis class O; minus strand). Cytogenetic location: 9p13.3.
Variant type: single nucleotide variant.
Coding change: c.2383T>C on transcript NM_032634.4 (MANE Select); coding-DNA position 2383, T replaced by C.
Protein change: p.Tyr795His; replaces tyrosine 795 with histidine.
Molecular consequence: missense variant. On other transcripts: intron variant (2).
Genome position (GRCh38, 1-based): chr9:35,091,504, A>G on the plus strand (T>C on the coding strand, the complement: PIGO is on the minus strand). VCF-style: chr9-35091504-A-G. GRCh37 (hg19) VCF-style: chr9-35091501-A-G.
Other names: p.Tyr795His; c.1345-213T>C (NM_152850.4, NM_001201484.2); short protein forms Y795H.
Identifiers: ClinVar variation 971955 (VCV000971955.15), dbSNP rs760038249, ClinGen allele CA5040421.